The following is an entry in ClinVar:

ClinVar aggregate classification (germline): Uncertain significance (1 of 4 stars; one submission).

Submission:

Women's Health and Genetics/Laboratory Corporation of America, LabCorp
Classification: Uncertain significance. Last evaluated: 2024-05-14. Review status: criteria provided, single submitter. Criteria: LabCorp Variant Classification Summary - May 2015. Collection method: clinical testing. Allele origin: germline.
Comment: Variant summary: ABCC8 c.646C>T (p.Arg216Cys) results in a non-conservative amino acid change in the encoded protein sequence. Five of five in-silico tools predict a damaging effect of the variant on protein function. The variant allele was found at a frequency of 1.6e-05 in 251478 control chromosomes. The available data on variant occurrences in the general population are insufficient to allow any conclusion about variant significance. c.646C>T has been reported in the literature in individuals affected with Familial Hyperinsulinism, however, not all the information was provided for analysis (Hashimoto_2017, Nayak_2021). These report(s) do not provide unequivocal conclusions about association of the variant with Familial Hyperinsulinism. To our knowledge, no experimental evidence demonstrating an impact on protein function has been reported. The following publications have been ascertained in the context of this evaluation (PMID: 27681997, 33409956). No submitters have cited clinical-significance assessments for this variant to ClinVar. Based on the evidence outlined above, the variant was classified as uncertain significance.

Literature cited by the submitters: PubMed 33409956; PubMed 27681997.

NM_000352.6(ABCC8):c.646C>T (p.Arg216Cys)

Gene: ABCC8 (ATP binding cassette subfamily C member 8; minus strand). Cytogenetic location: 11p15.1.
Variant type: single nucleotide variant.
Coding change: c.646C>T on transcript NM_000352.6 (MANE Select); coding-DNA position 646, C replaced by T.
Protein change: p.Arg216Cys; replaces arginine 216 with cysteine.
Molecular consequence: missense variant. On other transcripts: non-coding transcript variant (1).
Genome position (GRCh38, 1-based): chr11:17,461,759, G>A on the plus strand (C>T on the coding strand, the complement: ABCC8 is on the minus strand). VCF-style: chr11-17461759-G-A. GRCh37 (hg19) VCF-style: chr11-17483306-G-A.
Other names: c.646C>T, p.Arg216Cys (NM_001287174.3, NM_001351295.2, NM_001351296.2 and 1 more transcripts); short protein forms R216C.
Identifiers: ClinVar variation 3335967 (VCV003335967.1).